The following is an entry in ClinVar:

NM_198904.4(GABRG2):c.822C>G (p.Tyr274Ter)

Gene: GABRG2 (gamma-aminobutyric acid type A receptor subunit gamma2; plus strand). Cytogenetic location: 5q34.
Variant type: single nucleotide variant.
Coding change: c.822C>G on transcript NM_198904.4 (MANE Select); coding-DNA position 822, C replaced by G.
Protein change: p.Tyr274Ter; replaces tyrosine 274 with a stop codon.
Molecular consequence: nonsense.
Genome position (GRCh38, 1-based): chr5:162,142,216, C>G. VCF-style: chr5-162142216-C-G. GRCh37 (hg19) VCF-style: chr5-161569222-C-G.
Other names: c.822C>G, p.Tyr274Ter (NM_000816.3, NM_001375340.1); c.813C>G, p.Tyr271Ter (NM_001375339.1); c.819C>G, p.Tyr273Ter (NM_001375341.1, NM_001375342.1); c.942C>G, p.Tyr314Ter (NM_001375343.1, NM_198903.2); c.861C>G, p.Tyr287Ter (NM_001375344.1); c.756C>G, p.Tyr252Ter (NM_001375345.1, NM_001375346.1); c.735C>G, p.Tyr245Ter (NM_001375347.1); c.402C>G, p.Tyr134Ter (NM_001375348.1, NM_001375350.1); and 1 more; short protein forms Y274*, Y314*, Y134*, Y179*, Y245*, Y252*, Y271*, Y273*.
Identifiers: ClinVar variation 429599 (VCV000429599.2), dbSNP rs1064794724, ClinGen allele CA362182059.
Genomic context (GRCh38, chr5:162,142,216, plus strand): 5'-TGTTCCAGGAGATTATGTGGTCATGTCTGTCTACTTTGATCTGAGCAGAAGAATGGGATA[C>G]TTTACCATCCAGACCTATATCCCCTGCACACTCATTGTCGTCCTATCCTGGGTGTCTTTC-3'

ClinVar aggregate classification (germline): Likely pathogenic (1 of 4 stars; one submission).

Submission:

GeneDx
Classification: Likely pathogenic. Last evaluated: 2015-09-30. Review status: criteria provided, single submitter. Criteria: GeneDx Variant Classification (06012015). Collection method: clinical testing. Allele origin: germline. Affected: yes.
Comment: The Y274X variant has not been published as a pathogenic variant, nor has it been reported as a benign variant to our knowledge. It was not observed in approximately 6,500 individuals of European and African American ancestry in the NHLBI Exome Sequencing Project, indicating it is not a common benign variant in these populations. The Y274X variant is predicted to cause loss of normal protein function either through protein truncation or nonsense-mediated mRNA decay. Therefore, this variant is likely pathogenic; however, the possibility that it is benign cannot be excluded